The following is an entry in ClinVar:

NM_001164664.2(MAST4):c.4524C>G (p.Gly1508=)

Gene: MAST4 (microtubule associated serine/threonine kinase family member 4; plus strand). Cytogenetic location: 5q12.3.
Variant type: single nucleotide variant.
Coding change: c.4524C>G on transcript NM_001164664.2 (MANE Select); coding-DNA position 4524, C replaced by G.
Protein change: p.Gly1508=; no amino-acid change (glycine 1508 retained).
Molecular consequence: synonymous variant.
Genome position (GRCh38, 1-based): chr5:67,163,703, C>G. VCF-style: chr5-67163703-C-G. GRCh37 (hg19) VCF-style: chr5-66459531-C-G.
Other names: c.3906C>G, p.Gly1302= (NM_001290226.2); c.3741C>G, p.Gly1247= (NM_001290227.2, NM_001393527.1); c.3942C>G, p.Gly1314= (NM_001297651.2); c.4533C>G, p.Gly1511= (NM_001393524.1); c.4323C>G, p.Gly1441= (NM_001393525.1); c.3756C>G, p.Gly1252= (NM_001393526.1); c.3720C>G, p.Gly1240= (NM_001393528.1); c.3957C>G, p.Gly1319= (NM_015183.3).
Identifiers: ClinVar variation 4989061 (VCV004989061.1).

ClinVar aggregate classification (germline): Likely benign (1 of 4 stars; one submission).

Conditions:
MAST4-related condition.

gnomAD v4.1: 11 of 1,609,078 alleles (0.00068%); highest among the groups gnomAD compares: African/African-American, 0.011%; no homozygotes.

Submission:

PreventionGenetics, part of Exact Sciences
Classification: Likely benign for MAST4-related condition. Last evaluated: 2026-06-09. Review status: criteria provided, single submitter. Criteria: ACMG Guidelines, 2015. Collection method: clinical testing. Allele origin: germline.
Comment: This variant is classified as likely benign based on ACMG/AMP sequence variant interpretation guidelines (Richards et al. 2015 PMID: 25741868, with internal and published modifications).